The following is an entry in ClinVar:

Conditions:
Breast-ovarian cancer, familial, susceptibility to, 1 (BROVCA1). Also called: BRCA1 Hereditary Breast and Ovarian Cancer; OVARIAN CANCER, SUSCEPTIBILITY TO. Identifiers: Orphanet 145, MedGen C2676676, MONDO:0011450, OMIM 604370. Disease mechanism: loss of function.

Submission:

Brotman Baty Institute, University of Washington
No classification provided (evidence only). Condition: Breast-ovarian cancer, familial 1. Review status: no classification provided. Collection method: in vitro. Allele origin: not applicable. Functional consequence: functionally_normal.
ClinVar note: "not provided" was previously submitted as the classification for the variant. However, the classification appeared to be based only on an observation of functional data so it was converted to no classification on 2025-07-30.

NM_007294.4(BRCA1):c.39T>G (p.Asn13Lys)

Gene: BRCA1 (BRCA1 DNA repair associated; minus strand). Cytogenetic location: 17q21.31.
Variant type: single nucleotide variant.
Coding change: c.39T>G on transcript NM_007294.4 (MANE Select); coding-DNA position 39, T replaced by G.
Protein change: p.Asn13Lys; replaces asparagine 13 with lysine.
Molecular consequence: missense variant. On other transcripts: 5 prime UTR variant (1), non-coding transcript variant (1).
Genome position (GRCh38, 1-based): chr17:43,124,058, A>C on the plus strand (T>G on the coding strand, the complement: BRCA1 is on the minus strand). VCF-style: chr17-43124058-A-C. GRCh37 (hg19) VCF-style: chr17-41276075-A-C.
Other names: c.39T>G, p.Asn13Lys (NM_001407659.1, NM_001407660.1, NM_001407661.1 and 193 more transcripts); c.-219T>G (NM_001407694.1, NM_001407724.1, NM_001407727.1 and 11 more transcripts); c.-223T>G (NM_001407695.1, NM_001408465.1); c.-364T>G (NM_001407696.1); c.-248T>G (NM_001407697.1, NM_001407846.1, NM_001407920.1); c.-49T>G (NM_001407698.1, NM_001407732.1, NM_001407736.1 and 23 more transcripts); c.-222T>G (NM_001407725.1, NM_001407730.1, NM_001407734.1 and 22 more transcripts); c.-168T>G (NM_001407726.1, NM_001407751.1); and 8 more; short protein forms N13K.
Identifiers: ClinVar variation 869091 (VCV000869091.3), dbSNP rs2055733269, ClinGen allele CA10602081.